The following is an entry in ClinVar:

ClinVar aggregate classification (germline): Uncertain significance. Review status: criteria provided, multiple submitters, no conflicts (2 of 4 stars). 2 submissions from 2 submitters: Uncertain significance (2). Last evaluated 2025-09-27.

Conditions:
Inborn genetic diseases. Identifiers: MedGen C0950123, MeSH D030342.

gnomAD v4.1: 10 of 1,614,010 alleles (0.00062%); highest among the groups gnomAD compares: Non-Finnish European, 0.00085%; no homozygotes.

Submissions (2):

Labcorp Genetics (formerly Invitae), Labcorp
Classification: Uncertain significance. Last evaluated: 2025-09-27. Review status: criteria provided, single submitter. Criteria: Invitae Variant Classification Sherloc (09022015). Collection method: clinical testing. Allele origin: germline.
Comment: This sequence change replaces phenylalanine, which is neutral and non-polar, with tyrosine, which is neutral and polar, at codon 418 of the GATAD2B protein (p.Phe418Tyr). This variant is present in population databases (no rsID available, gnomAD 0.0009%). This variant has not been reported in the literature in individuals affected with GATAD2B-related conditions. ClinVar contains an entry for this variant (Variation ID: 3519120). Invitae Evidence Modeling of protein sequence and biophysical properties (such as structural, functional, and spatial information, amino acid conservation, physicochemical variation, residue mobility, and thermodynamic stability) indicates that this missense variant is not expected to disrupt GATAD2B protein function with a negative predictive value of 80%. In summary, the available evidence is currently insufficient to determine the role of this variant in disease. Therefore, it has been classified as a Variant of Uncertain Significance.

Ambry Genetics
Classification: Uncertain significance for Inborn genetic diseases. Last evaluated: 2024-08-19. Review status: criteria provided, single submitter. Criteria: Ambry Variant Classification Scheme 2023. Collection method: clinical testing. Allele origin: germline.

NM_020699.4(GATAD2B):c.1253T>A (p.Phe418Tyr)

Gene: GATAD2B (GATA zinc finger domain containing 2B; minus strand). Cytogenetic location: 1q21.3.
Variant type: single nucleotide variant.
Coding change: c.1253T>A on transcript NM_020699.4 (MANE Select); coding-DNA position 1253, T replaced by A.
Protein change: p.Phe418Tyr; replaces phenylalanine 418 with tyrosine.
Molecular consequence: missense variant.
Genome position (GRCh38, 1-based): chr1:153,813,416, A>T on the plus strand (T>A on the coding strand, the complement: GATAD2B is on the minus strand). VCF-style: chr1-153813416-A-T. GRCh37 (hg19) VCF-style: chr1-153785892-A-T.
Other names: short protein forms F418Y.
Identifiers: ClinVar variation 3519120 (VCV003519120.2).